The following is an entry in ClinVar:

NM_000297.4(PKD2):c.121G>C (p.Ala41Pro)

Genes: PKD2 (polycystin 2, transient receptor potential cation channel; plus strand), LOC129992813 (ATAC-STARR-seq lymphoblastoid silent region 15559; plus strand). Cytogenetic location: 4q22.1.
Variant type: single nucleotide variant.
Coding change: c.121G>C on transcript NM_000297.4 (MANE Select); coding-DNA position 121, G replaced by C.
Protein change: p.Ala41Pro; replaces alanine 41 with proline.
Molecular consequence: missense variant. On other transcripts: non-coding transcript variant (1).
Genome position (GRCh38, 1-based): chr4:88,007,854, G>C. VCF-style: chr4-88007854-G-C. GRCh37 (hg19) VCF-style: chr4-88929006-G-C.
Other names: short protein forms A41P.
Identifiers: ClinVar variation 2175889 (VCV002175889.4), dbSNP rs2476356805, ClinGen allele CA357625283.

ClinVar aggregate classification (germline): Uncertain significance (1 of 4 stars; one submission).

Conditions:
Autosomal dominant polycystic kidney disease. Identifiers: Orphanet 730, MedGen C0085413, MONDO:0004691.

Submission:

Labcorp Genetics (formerly Invitae), Labcorp
Classification: Uncertain significance for Autosomal dominant polycystic kidney disease. Last evaluated: 2025-05-06. Review status: criteria provided, single submitter. Criteria: Invitae Variant Classification Sherloc (09022015). Collection method: clinical testing. Allele origin: germline.
Comment: This sequence change replaces alanine, which is neutral and non-polar, with proline, which is neutral and non-polar, at codon 41 of the PKD2 protein (p.Ala41Pro). The frequency data for this variant in the population databases is considered unreliable, as metrics indicate insufficient coverage at this position in the gnomAD database. This variant has not been reported in the literature in individuals affected with PKD2-related conditions. ClinVar contains an entry for this variant (Variation ID: 2175889). An algorithm developed to predict the effect of missense changes on protein structure and function outputs the following: PolyPhen-2: "Benign". The proline amino acid residue is found in multiple mammalian species, which suggests that this missense change does not adversely affect protein function. In summary, the available evidence is currently insufficient to determine the role of this variant in disease. Therefore, it has been classified as a Variant of Uncertain Significance.